The following is an entry in ClinVar:

NM_153741.2(DPM3):c.-14G>C

Genes: DPM3 (dolichyl-phosphate mannosyltransferase subunit 3, regulatory; minus strand), LOC129931553 (ATAC-STARR-seq lymphoblastoid active region 1807; plus strand). Cytogenetic location: 1q22.
Variant type: single nucleotide variant.
Coding change: c.-14G>C on transcript NM_153741.2 (MANE Select); 14 bases upstream of the start codon, G replaced by C.
Molecular consequence: 5 prime UTR variant.
Genome position (GRCh38, 1-based): chr1:155,140,499, C>G on the plus strand (G>C on the coding strand, the complement: DPM3 is on the minus strand). VCF-style: chr1-155140499-C-G. GRCh37 (hg19) VCF-style: chr1-155112975-C-G.
Identifiers: ClinVar variation 511816 (VCV000511816.1), dbSNP rs577202972, ClinGen allele CA30863615.

ClinVar aggregate classification (germline): Likely benign (1 of 4 stars; one submission).

Allele frequency attached by ClinVar (database versions not stated): TOPMed 0.00003; 1000 Genomes Project 30x 0.00016; 1000 Genomes Project 0.00020.

Submission:

GeneDx
Classification: Likely benign. Last evaluated: 2017-09-19. Review status: criteria provided, single submitter. Criteria: GeneDx Variant Classification (06012015). Collection method: clinical testing. Allele origin: germline. Affected: yes.
Comment: This variant is considered likely benign or benign based on one or more of the following criteria: it is a conservative change, it occurs at a poorly conserved position in the protein, it is predicted to be benign by multiple in silico algorithms, and/or has population frequency not consistent with disease.